The following is an entry in ClinVar:

NM_002432.3(MNDA):c.1042A>G (p.Met348Val)

Gene: MNDA (myeloid cell nuclear differentiation antigen; plus strand). Cytogenetic location: 1q23.1.
Variant type: single nucleotide variant.
Coding change: c.1042A>G on transcript NM_002432.3 (MANE Select); coding-DNA position 1042, A replaced by G.
Protein change: p.Met348Val; replaces methionine 348 with valine.
Molecular consequence: missense variant.
Genome position (GRCh38, 1-based): chr1:158,847,782, A>G. VCF-style: chr1-158847782-A-G. GRCh37 (hg19) VCF-style: chr1-158817572-A-G.
Other names: short protein forms M348V.
Identifiers: ClinVar variation 1774451 (VCV001774451.2), dbSNP rs2526092404, ClinGen allele CA343043962.

ClinVar aggregate classification (germline): Uncertain significance (1 of 4 stars; one submission).

gnomAD v4.1: 1 of 1,614,070 alleles (0.000062%); highest among the groups gnomAD compares: Non-Finnish European, 0.000085%; no homozygotes.

Submission:

Ambry Genetics
Classification: Uncertain significance. Last evaluated: 2021-07-20. Review status: criteria provided, single submitter. Criteria: Ambry Variant Classification Scheme 2023. Collection method: clinical testing. Allele origin: germline.
Comment: The p.M348V variant (also known as c.1042A>G), located in coding exon 5 of the MNDA gene, results from an A to G substitution at nucleotide position 1042. The methionine at codon 348 is replaced by valine, an amino acid with highly similar properties. This amino acid position is conserved. In addition, this alteration is predicted to be tolerated by in silico analysis. Since supporting evidence is limited at this time, the clinical significance of this alteration remains unclear.